The following is an entry in ClinVar:

ClinVar aggregate classification (germline): Uncertain significance. Review status: criteria provided, multiple submitters, no conflicts (2 of 4 stars). 2 submissions from 2 submitters: Uncertain significance (2). Last evaluated 2025-03-10.

Conditions:
Inborn genetic diseases. Identifiers: MedGen C0950123, MeSH D030342.

Submissions (2):

Ambry Genetics
Classification: Uncertain significance for Inborn genetic diseases. Last evaluated: 2025-03-10. Review status: criteria provided, single submitter. Criteria: Ambry Variant Classification Scheme 2023. Collection method: clinical testing. Allele origin: germline.

Labcorp Genetics (formerly Invitae), Labcorp
Classification: Uncertain significance. Last evaluated: 2023-05-15. Review status: criteria provided, single submitter. Criteria: Invitae Variant Classification Sherloc (09022015). Collection method: clinical testing. Allele origin: germline.
Comment: ClinVar contains an entry for this variant (Variation ID: 1920161). This variant has not been reported in the literature in individuals affected with USH2A-related conditions. This variant is not present in population databases (gnomAD no frequency). This sequence change replaces alanine, which is neutral and non-polar, with glutamic acid, which is acidic and polar, at codon 1877 of the USH2A protein (p.Ala1877Glu). In summary, the available evidence is currently insufficient to determine the role of this variant in disease. Therefore, it has been classified as a Variant of Uncertain Significance. Advanced modeling of protein sequence and biophysical properties (such as structural, functional, and spatial information, amino acid conservation, physicochemical variation, residue mobility, and thermodynamic stability) performed at Invitae indicates that this missense variant is expected to disrupt USH2A protein function.

NM_206933.4(USH2A):c.5630C>A (p.Ala1877Glu)

Genes: USH2A (usherin; minus strand), USH2A-AS2 (USH2A antisense RNA 2; plus strand). Cytogenetic location: 1q41.
Variant type: single nucleotide variant.
Coding change: c.5630C>A on transcript NM_206933.4 (MANE Select); coding-DNA position 5630, C replaced by A.
Protein change: p.Ala1877Glu; replaces alanine 1877 with glutamic acid.
Molecular consequence: missense variant.
Genome position (GRCh38, 1-based): chr1:216,073,243, G>T on the plus strand (C>A on the coding strand, the complement: USH2A is on the minus strand). VCF-style: chr1-216073243-G-T. GRCh37 (hg19) VCF-style: chr1-216246585-G-T.
Other names: c.5630C>A (NM_206933.2); short protein forms A1877E.
Identifiers: ClinVar variation 1920161 (VCV001920161.6), dbSNP rs1263392471, ClinGen allele CA344854737.
Genomic context (GRCh38, chr1:216,073,243, plus strand): 5'-GCACTGTCAGTTGATAGGCATCCATCCAGATTGACTCTGACAGCACCGCTGGACACAGAT[G>T]CCAAGTTAACGACAGCACCCCGTGTAAATTTAACATCCTTCATGCAACCACCGAAACCTA-3'
Protein context (NP_996816.3, residues 1867-1887): KFTRGAVVNL[Ala1877Glu]SVSSGAVRVN